The following is an entry in ClinVar:

NM_001114753.3(ENG):c.1682A>G (p.Asp561Gly)

Genes: ENG (endoglin; minus strand), LOC102723566 (uncharacterized LOC102723566; plus strand). Cytogenetic location: 9q34.11.
Variant type: single nucleotide variant.
Coding change: c.1682A>G on transcript NM_001114753.3 (MANE Select); coding-DNA position 1682, A replaced by G.
Protein change: p.Asp561Gly; replaces aspartic acid 561 with glycine.
Molecular consequence: missense variant.
Genome position (GRCh38, 1-based): chr9:127,818,124, T>C on the plus strand (A>G on the coding strand, the complement: ENG is on the minus strand). VCF-style: chr9-127818124-T-C. GRCh37 (hg19) VCF-style: chr9-130580403-T-C.
Other names: c.1682A>G, p.Asp561Gly (NM_000118.4); c.1136A>G, p.Asp379Gly (NM_001278138.2); short protein forms D561G, D379G.
Identifiers: ClinVar variation 1434674 (VCV001434674.7), dbSNP rs375965489, ClinGen allele CA5252705.

ClinVar aggregate classification (germline): Uncertain significance (1 of 4 stars; one submission).

Conditions:
Hereditary hemorrhagic telangiectasia (HHT). Also called: ORW DISEASE; Osler Weber Rendu syndrome; OSLER-RENDU-WEBER DISEASE; Osler hemorrhagic telangiectasia syndrome. Identifiers: Orphanet 774, MedGen C0039445, MONDO:0019180. Disease mechanism: loss of function.

gnomAD v4.1: 2 of 1,614,116 alleles (0.00012%); highest among the groups gnomAD compares: Non-Finnish European, 0.00017%; no homozygotes.

Submission:

Labcorp Genetics (formerly Invitae), Labcorp
Classification: Uncertain significance for Hereditary hemorrhagic telangiectasia. Last evaluated: 2021-09-09. Review status: criteria provided, single submitter. Criteria: Invitae Variant Classification Sherloc (09022015). Collection method: clinical testing. Allele origin: germline.
Comment: This sequence change replaces aspartic acid with glycine at codon 561 of the ENG protein (p.Asp561Gly). The aspartic acid residue is weakly conserved and there is a moderate physicochemical difference between aspartic acid and glycine. This variant is present in population databases (rs375965489, ExAC 0.003%). This variant has not been reported in the literature in individuals affected with ENG-related conditions. Advanced modeling of protein sequence and biophysical properties (such as structural, functional, and spatial information, amino acid conservation, physicochemical variation, residue mobility, and thermodynamic stability) performed at Invitae indicates that this missense variant is not expected to disrupt ENG protein function. In summary, the available evidence is currently insufficient to determine the role of this variant in disease. Therefore, it has been classified as a Variant of Uncertain Significance.